The following is an entry in ClinVar:

ClinVar aggregate classification (germline): Likely pathogenic. Review status: criteria provided, multiple submitters, no conflicts (2 of 4 stars). 3 submissions from 3 submitters: Likely pathogenic (3). Last evaluated 2023-12-14.

Conditions:
Autosomal recessive nonsyndromic hearing loss 37. Identifiers: Orphanet 90636, MedGen C1843028, MONDO:0011912, OMIM 607821.

Allele frequency attached by ClinVar (database versions not stated): gnomAD exomes below 0.00001.
gnomAD v4.1: 1 of 1,608,360 alleles (0.000062%); highest among the groups gnomAD compares: South Asian, 0.0011%; no homozygotes.

Submissions (3):

Baylor Genetics
Classification: Likely pathogenic for Autosomal recessive nonsyndromic hearing loss 37. Last evaluated: 2023-12-14. Review status: criteria provided, single submitter. Criteria: ACMG Guidelines, 2015. Collection method: clinical testing. Allele origin: unknown.

Labcorp Genetics (formerly Invitae), Labcorp
Classification: Likely pathogenic. Last evaluated: 2023-09-20. Review status: criteria provided, single submitter. Criteria: Invitae Variant Classification Sherloc (09022015). Collection method: clinical testing. Allele origin: germline.
Comment: In summary, the currently available evidence indicates that the variant is pathogenic, but additional data are needed to prove that conclusively. Therefore, this variant has been classified as Likely Pathogenic. Algorithms developed to predict the effect of sequence changes on RNA splicing suggest that this variant may disrupt the consensus splice site. ClinVar contains an entry for this variant (Variation ID: 390632). This variant has not been reported in the literature in individuals affected with MYO6-related conditions. This variant is not present in population databases (gnomAD no frequency). This sequence change affects an acceptor splice site in intron 9 of the MYO6 gene. It is expected to disrupt RNA splicing. Variants that disrupt the donor or acceptor splice site typically lead to a loss of protein function (PMID: 16199547), and loss-of-function variants in MYO6 are known to be pathogenic (PMID: 12687499, 18348273, 23767834, 25999546, 30582396).

GeneDx
Classification: Likely pathogenic. Last evaluated: 2019-09-05. Review status: criteria provided, single submitter. Criteria: GeneDx Variant Classification Process June 2021. Collection method: clinical testing. Allele origin: germline. Affected: yes.
Comment: Not observed in large population cohorts (Lek et al., 2016); Has not been previously published as pathogenic or benign to our knowledge; This variant is associated with the following publications: (PMID: 31589614)

Literature cited by the submitters: PubMed 16199547 (cited by Labcorp Genetics (formerly Invitae), Labcorp); PubMed 12687499 (cited by Labcorp Genetics (formerly Invitae), Labcorp); PubMed 18348273 (cited by Labcorp Genetics (formerly Invitae), Labcorp); PubMed 23767834 (cited by Labcorp Genetics (formerly Invitae), Labcorp); PubMed 25999546 (cited by Labcorp Genetics (formerly Invitae), Labcorp); PubMed 30582396 (cited by Labcorp Genetics (formerly Invitae), Labcorp).

NM_004999.4(MYO6):c.817-1G>A

Gene: MYO6 (myosin VI; plus strand). Cytogenetic location: 6q14.1.
Variant type: single nucleotide variant.
Coding change: c.817-1G>A on transcript NM_004999.4 (MANE Select); the canonical splice acceptor site of the intron before coding-DNA position 817, G replaced by A.
Molecular consequence: splice acceptor variant.
Genome position (GRCh38, 1-based): chr6:75,844,896, G>A. VCF-style: chr6-75844896-G-A. GRCh37 (hg19) VCF-style: chr6-76554613-G-A.
Other names: c.817-1G>A (NM_001368865.1, NM_001368866.1, NM_001368137.1 and 2 more transcripts); c.802-1G>A (NM_001368138.1).
Identifiers: ClinVar variation 390632 (VCV000390632.7), dbSNP rs1057523846, ClinGen allele CA16604993.